The following is an entry in ClinVar:

NM_152564.5(VPS13B):c.2993T>G (p.Val998Gly)

Gene: VPS13B (vacuolar protein sorting 13 homolog B; plus strand). Cytogenetic location: 8q22.2.
Variant type: single nucleotide variant.
Coding change: c.2993T>G on transcript NM_152564.5 (MANE Select); coding-DNA position 2993, T replaced by G.
Protein change: p.Val998Gly; replaces valine 998 with glycine.
Molecular consequence: missense variant.
Genome position (GRCh38, 1-based): chr8:99,391,615, T>G. VCF-style: chr8-99391615-T-G. GRCh37 (hg19) VCF-style: chr8-100403843-T-G.
Other names: c.2993T>G, p.Val998Gly (NM_017890.5); c.2993T>G (NM_152564.4); short protein forms V998G.
Identifiers: ClinVar variation 641424 (VCV000641424.8), dbSNP rs892148263, ClinGen allele CA182957435.

ClinVar aggregate classification (germline): Uncertain significance. Review status: criteria provided, single submitter (1 of 4 stars). 3 submissions from 3 submitters: Uncertain significance (1). 2 of the submissions do not count toward it. Last evaluated 2021-08-28.

Conditions:
VPS13B-related disorder. Also called: VPS13B-related condition.
Cohen syndrome (COH1). Also called: PEPPER SYNDROME; Cutis verticis gyrata, retinitis pigmentosa, and sensorineural deafness. Identifiers: Orphanet 193, MedGen C0265223, MONDO:0008999, OMIM 216550.

Submissions (3):

Labcorp Genetics (formerly Invitae), Labcorp
Classification: Uncertain significance for Cohen syndrome. Last evaluated: 2021-08-28. Review status: criteria provided, single submitter. Criteria: Invitae Variant Classification Sherloc (09022015). Collection method: clinical testing. Allele origin: germline.

PreventionGenetics, part of Exact Sciences
Classification: Uncertain significance for VPS13B-related condition. Last evaluated: 2024-01-02. Review status: no assertion criteria provided. Collection method: clinical testing. Allele origin: germline. Not counted in ClinVar's aggregate classification.
Comment: The VPS13B c.2993T>G variant is predicted to result in the amino acid substitution p.Val998Gly. To our knowledge, this variant has not been reported in the literature or in a large population database, indicating this variant is rare. At this time, the clinical significance of this variant is uncertain due to the absence of conclusive functional and genetic evidence.

Natera, Inc.
Classification: Uncertain significance for Cohen syndrome. Last evaluated: 2020-12-10. Review status: no assertion criteria provided. Collection method: clinical testing. Allele origin: germline. Not counted in ClinVar's aggregate classification.